The following is an entry in ClinVar:

ClinVar aggregate classification (germline): Likely benign. Review status: criteria provided, multiple submitters, no conflicts (2 of 4 stars). 2 submissions from 2 submitters: Likely benign (2). Last evaluated 2023-05-04.

Conditions:
Cardiomyopathy (CMYO). Also called: Cardiomyopathies. Identifiers: Orphanet 167848, MedGen C0878544, MONDO:0004994, HP:0001638. Inheritance: Various modes of inheritance.
Hypertrophic cardiomyopathy. Also called: HYPERTROPHIC MYOCARDIOPATHY. Identifiers: Orphanet 217569, MedGen C0007194, MeSH D002312, MONDO:0005045, HP:0001639.

Allele frequency attached by ClinVar (database versions not stated): gnomAD exomes below 0.00001; ExAC 0.00002; gnomAD 0.00001.
gnomAD v4.1: 6 of 1,612,752 alleles (0.00037%); highest among the groups gnomAD compares: South Asian, 0.0055%; no homozygotes.

Submissions (2):

All of Us Research Program, National Institutes of Health
Classification: Likely benign for Hypertrophic cardiomyopathy. Last evaluated: 2023-05-04. Review status: criteria provided, single submitter. Criteria: ACMG Guidelines, 2015. Collection method: clinical testing. Allele origin: germline. Inheritance: Autosomal dominant inheritance. Observed: 1 variant allele, 1 heterozygote.
Comment: This study involves interpretation of variants in research participants for the purpose of population health screening. Participant phenotype was not available at the time of variant classification. Additional details can be found in publication PMID: 35346344, PMCID: PMC8962531

Color Diagnostics, LLC DBA Color Health
Classification: Likely benign for Cardiomyopathy. Last evaluated: 2023-04-18. Review status: criteria provided, single submitter. Criteria: ACMG Guidelines, 2015. Collection method: clinical testing. Allele origin: germline.

NM_000256.3(MYBPC3):c.1440G>A (p.Glu480=)

Gene: MYBPC3 (myosin binding protein C3; minus strand). Cytogenetic location: 11p11.2.
Variant type: single nucleotide variant.
Coding change: c.1440G>A on transcript NM_000256.3 (MANE Select); coding-DNA position 1440, G replaced by A.
Protein change: p.Glu480=; no amino-acid change (glutamic acid 480 retained).
Molecular consequence: synonymous variant.
Genome position (GRCh38, 1-based): chr11:47,342,847, C>T on the plus strand (G>A on the coding strand, the complement: MYBPC3 is on the minus strand). VCF-style: chr11-47342847-C-T. GRCh37 (hg19) VCF-style: chr11-47364398-C-T.
Identifiers: ClinVar variation 3070836 (VCV003070836.2), dbSNP rs749110971, ClinGen allele CA078081.